The following is an entry in ClinVar:

ClinVar aggregate classification (germline): Uncertain significance (1 of 4 stars; one submission).

Conditions:
Cardiovascular phenotype. Identifiers: MedGen CN230736.

Submission:

Ambry Genetics
Classification: Uncertain significance for Cardiovascular phenotype. Last evaluated: 2023-02-26. Review status: criteria provided, single submitter. Criteria: Ambry Variant Classification Scheme 2023. Collection method: clinical testing. Allele origin: germline.
Comment: The p.P3187L variant (also known as c.9560C>T), located in coding exon 27 of the TNXB gene, results from a C to T substitution at nucleotide position 9560. The proline at codon 3187 is replaced by leucine, an amino acid with similar properties. This amino acid position is conserved. In addition, this alteration is predicted to be tolerated by in silico analysis. Since supporting evidence is limited at this time, the clinical significance of this alteration remains unclear.

NM_001365276.2(TNXB):c.9566C>T (p.Pro3189Leu)

Gene: TNXB (tenascin XB; minus strand). Cytogenetic location: 6p21.33.
Variant type: single nucleotide variant.
Coding change: c.9566C>T on transcript NM_001365276.2 (MANE Select); coding-DNA position 9566, C replaced by T.
Protein change: p.Pro3189Leu; replaces proline 3189 with leucine.
Molecular consequence: missense variant.
Genome position (GRCh38, 1-based): chr6:32,049,461, G>A on the plus strand (C>T on the coding strand, the complement: TNXB is on the minus strand). VCF-style: chr6-32049461-G-A. GRCh37 (hg19) VCF-style: chr6-32017238-G-A.
Other names: c.9560C>T, p.Pro3187Leu (NM_019105.8); short protein forms P3189L, P3187L.
Identifiers: ClinVar variation 2451191 (VCV002451191.2), dbSNP rs2483424671, ClinGen allele CA363539058.